The following is an entry in ClinVar:

ClinVar aggregate classification (germline): Uncertain significance. Review status: criteria provided, multiple submitters, no conflicts (2 of 4 stars). 2 submissions from 2 submitters: Uncertain significance (2). Last evaluated 2025-12-03.

Conditions:
SLC2A9-related disorder. Also called: SLC2A9-related condition.

gnomAD v4.1: 26 of 1,614,108 alleles (0.0016%); highest among the groups gnomAD compares: South Asian, 0.0033%; no homozygotes.

Submissions (2):

PreventionGenetics, part of Exact Sciences
Classification: Uncertain significance for SLC2A9-related condition. Last evaluated: 2025-12-03. Review status: criteria provided, single submitter. Criteria: ACMG Guidelines, 2015. Collection method: clinical testing. Allele origin: germline.
Comment: The SLC2A9 c.269A>G variant is predicted to result in the amino acid substitution p.Asn90Ser. To our knowledge, this variant has not been reported in the literature. This variant is reported in 0.0039% of alleles in individuals of European (Non-Finnish) descent in gnomAD. At this time, the clinical significance of this variant is uncertain due to the absence of conclusive functional and genetic evidence.

Labcorp Genetics (formerly Invitae), Labcorp
Classification: Uncertain significance. Last evaluated: 2024-05-23. Review status: criteria provided, single submitter. Criteria: Invitae Variant Classification Sherloc (09022015). Collection method: clinical testing. Allele origin: germline.
Comment: This sequence change replaces asparagine, which is neutral and polar, with serine, which is neutral and polar, at codon 90 of the SLC2A9 protein (p.Asn90Ser). This variant is present in population databases (rs781541562, gnomAD 0.004%). This variant has not been reported in the literature in individuals affected with SLC2A9-related conditions. Algorithms developed to predict the effect of missense changes on protein structure and function output the following: SIFT: "Not Available"; PolyPhen-2: "Probably Damaging"; Align-GVGD: "Not Available". The serine amino acid residue is found in multiple mammalian species, which suggests that this missense change does not adversely affect protein function. In summary, the available evidence is currently insufficient to determine the role of this variant in disease. Therefore, it has been classified as a Variant of Uncertain Significance.

NM_020041.3(SLC2A9):c.269A>G (p.Asn90Ser)

Genes: SLC2A9 (solute carrier family 2 member 9; minus strand), SLC2A9-AS1 (SLC2A9 antisense RNA 1; plus strand). Cytogenetic location: 4p16.1.
Variant type: single nucleotide variant.
Coding change: c.269A>G on transcript NM_020041.3 (MANE Select); coding-DNA position 269, A replaced by G.
Protein change: p.Asn90Ser; replaces asparagine 90 with serine.
Molecular consequence: missense variant.
Genome position (GRCh38, 1-based): chr4:9,996,922, T>C on the plus strand (A>G on the coding strand, the complement: SLC2A9 is on the minus strand). VCF-style: chr4-9996922-T-C. GRCh37 (hg19) VCF-style: chr4-9998546-T-C.
Other names: c.182A>G, p.Asn61Ser (NM_001001290.2); c.269A>G (NM_020041.2); short protein forms N61S, N90S.
Identifiers: ClinVar variation 3702872 (VCV003702872.3).